The following is an entry in ClinVar:

NM_005144.5(HR):c.2240G>A (p.Arg747His)

Gene: HR (HR lysine demethylase and nuclear receptor corepressor; minus strand). Cytogenetic location: 8p21.3.
Variant type: single nucleotide variant.
Coding change: c.2240G>A on transcript NM_005144.5 (MANE Select); coding-DNA position 2240, G replaced by A.
Protein change: p.Arg747His; replaces arginine 747 with histidine.
Molecular consequence: missense variant.
Genome position (GRCh38, 1-based): chr8:22,121,192, C>T on the plus strand (G>A on the coding strand, the complement: HR is on the minus strand). VCF-style: chr8-22121192-C-T. GRCh37 (hg19) VCF-style: chr8-21978705-C-T.
Other names: c.2240G>A, p.Arg747His (NM_018411.4); c.2240G>A (NM_005144.4); short protein forms R747H.
Identifiers: ClinVar variation 2042275 (VCV002042275.7), dbSNP rs201308362, ClinGen allele CA4662168.

ClinVar aggregate classification (germline): Benign/Likely benign. Review status: criteria provided, multiple submitters, no conflicts (2 of 4 stars). 3 submissions from 3 submitters: Benign (1); Likely benign (1). 1 of the submissions does not count toward it. Last evaluated 2024-11-12.

Conditions:
HR-related disorder. Also called: HR-related disorders; HR-related condition. Identifiers: MedGen CN239293.

Allele frequency attached by ClinVar (database versions not stated): TOPMed 0.00018; ESP Exome Variant Server 0.00023; gnomAD 0.00031; 1000 Genomes Project 30x 0.00078; 1000 Genomes Project 0.00100; ExAC 0.00110.

Submissions (3):

Blueprint Genetics
Classification: Likely benign. Last evaluated: 2024-11-12. Review status: criteria provided, single submitter. Criteria: ACMG Guidelines, 2015. Collection method: clinical testing. Allele origin: germline.

Labcorp Genetics (formerly Invitae), Labcorp
Classification: Benign. Last evaluated: 2022-10-08. Review status: criteria provided, single submitter. Criteria: Invitae Variant Classification Sherloc (09022015). Collection method: clinical testing. Allele origin: germline.

PreventionGenetics, part of Exact Sciences
Classification: Benign for HR-related condition. Last evaluated: 2019-07-11. Review status: no assertion criteria provided. Collection method: clinical testing. Allele origin: germline. Not counted in ClinVar's aggregate classification.
Comment: This variant is classified as benign based on ACMG/AMP sequence variant interpretation guidelines (Richards et al. 2015 PMID: 25741868, with internal and published modifications).